The following is an entry in ClinVar:

ClinVar aggregate classification (germline): Uncertain significance. Review status: criteria provided, multiple submitters, no conflicts (2 of 4 stars). 3 submissions from 3 submitters: Uncertain significance (3). Last evaluated 2025-03-14.

Conditions:
Inborn genetic diseases. Identifiers: MedGen C0950123, MeSH D030342.
Xeroderma pigmentosum group B. Also called: XP, GROUP B; XPB/CS; XERODERMA PIGMENTOSUM B/COCKAYNE SYNDROME; ERCC3-Related Xeroderma Pigmentosum. Identifiers: MedGen C0268136, MONDO:0012531, OMIM 610651.

Allele frequency attached by ClinVar (database versions not stated): ExAC 0.00005; gnomAD exomes 0.00006 and 0.00008; TOPMed 0.00006; gnomAD 0.00007 and 0.00008; ESP Exome Variant Server 0.00008.
gnomAD v4.1: 130 of 1,613,914 alleles (0.0081%); highest among the groups gnomAD compares: Admixed American, 0.017%; no homozygotes.

Submissions (3):

Ambry Genetics
Classification: Uncertain significance for Inborn genetic diseases. Last evaluated: 2025-03-14. Review status: criteria provided, single submitter. Criteria: Ambry Variant Classification Scheme 2023. Collection method: clinical testing. Allele origin: germline.

Labcorp Genetics (formerly Invitae), Labcorp
Classification: Uncertain significance. Last evaluated: 2024-10-15. Review status: criteria provided, single submitter. Criteria: Invitae Variant Classification Sherloc (09022015). Collection method: clinical testing. Allele origin: germline.
Comment: This sequence change replaces lysine, which is basic and polar, with arginine, which is basic and polar, at codon 359 of the ERCC3 protein (p.Lys359Arg). This variant is present in population databases (rs370519739, gnomAD 0.01%). This variant has not been reported in the literature in individuals affected with ERCC3-related conditions. ClinVar contains an entry for this variant (Variation ID: 892812). Invitae Evidence Modeling of protein sequence and biophysical properties (such as structural, functional, and spatial information, amino acid conservation, physicochemical variation, residue mobility, and thermodynamic stability) indicates that this missense variant is not expected to disrupt ERCC3 protein function with a negative predictive value of 80%. In summary, the available evidence is currently insufficient to determine the role of this variant in disease. Therefore, it has been classified as a Variant of Uncertain Significance.

Illumina Laboratory Services, Illumina
Classification: Uncertain significance for Xeroderma pigmentosum group B. Last evaluated: 2017-04-27. Review status: criteria provided, single submitter. Criteria: ICSL Variant Classification Criteria 13 December 2019. Collection method: clinical testing. Allele origin: germline.

NM_000122.2(ERCC3):c.1076A>G (p.Lys359Arg)

Gene: ERCC3 (ERCC excision repair 3, TFIIH core complex helicase subunit; minus strand). Cytogenetic location: 2q14.3.
Variant type: single nucleotide variant.
Coding change: c.1076A>G on transcript NM_000122.2 (MANE Select); coding-DNA position 1076, A replaced by G.
Protein change: p.Lys359Arg; replaces lysine 359 with arginine.
Molecular consequence: missense variant.
Genome position (GRCh38, 1-based): chr2:127,286,969, T>C on the plus strand (A>G on the coding strand, the complement: ERCC3 is on the minus strand). VCF-style: chr2-127286969-T-C. GRCh37 (hg19) VCF-style: chr2-128044545-T-C.
Other names: c.884A>G, p.Lys295Arg (NM_001303416.2, NM_001303418.2); short protein forms K359R, K295R.
Identifiers: ClinVar variation 892812 (VCV000892812.8), dbSNP rs370519739, ClinGen allele CA1858360.